The following is an entry in ClinVar:

ClinVar aggregate classification (germline): Uncertain significance. Review status: criteria provided, multiple submitters, no conflicts (2 of 4 stars). 2 submissions from 2 submitters: Uncertain significance (2). Last evaluated 2021-08-02.

Conditions:
Inborn genetic diseases. Identifiers: MedGen C0950123, MeSH D030342.

Submissions (2):

Ambry Genetics
Classification: Uncertain significance for Inborn genetic diseases. Last evaluated: 2021-08-02. Review status: criteria provided, single submitter. Criteria: Ambry Variant Classification Scheme 2023. Collection method: clinical testing. Allele origin: germline.

Labcorp Genetics (formerly Invitae), Labcorp
Classification: Uncertain significance. Last evaluated: 2021-02-03. Review status: criteria provided, single submitter. Criteria: Invitae Variant Classification Sherloc (09022015). Collection method: clinical testing. Allele origin: germline.
Comment: This sequence change replaces asparagine with histidine at codon 307 of the SCN3A protein (p.Asn307His). The asparagine residue is moderately conserved and there is a small physicochemical difference between asparagine and histidine. In summary, the available evidence is currently insufficient to determine the role of this variant in disease. Therefore, it has been classified as a Variant of Uncertain Significance. Algorithms developed to predict the effect of missense changes on protein structure and function are either unavailable or do not agree on the potential impact of this missense change (SIFT: "Deleterious"; PolyPhen-2: "Benign"; Align-GVGD: "Class C0"). This variant has not been reported in the literature in individuals with SCN3A-related conditions. This variant is not present in population databases (ExAC no frequency).

NM_006922.4(SCN3A):c.919A>C (p.Asn307His)

Gene: SCN3A (sodium voltage-gated channel alpha subunit 3; minus strand). Cytogenetic location: 2q24.3.
Variant type: single nucleotide variant.
Coding change: c.919A>C on transcript NM_006922.4 (MANE Select); coding-DNA position 919, A replaced by C.
Protein change: p.Asn307His; replaces asparagine 307 with histidine.
Molecular consequence: missense variant.
Genome position (GRCh38, 1-based): chr2:165,162,604, T>G on the plus strand (A>C on the coding strand, the complement: SCN3A is on the minus strand). VCF-style: chr2-165162604-T-G. GRCh37 (hg19) VCF-style: chr2-166019114-T-G.
Other names: c.919A>C, p.Asn307His (NM_001081676.2, NM_001081677.2); c.919A>C (NM_006922.3); short protein forms N307H.
Identifiers: ClinVar variation 1406868 (VCV001406868.9), dbSNP rs2105889934, ClinGen allele CA349238959.